The following is an entry in ClinVar:

NM_173477.5(USH1G):c.*553A>C

Gene: USH1G (USH1 protein network component sans; minus strand). Cytogenetic location: 17q25.1.
Variant type: single nucleotide variant.
Coding change: c.*553A>C on transcript NM_173477.5 (MANE Select); 553 bases downstream of the stop codon, A replaced by C.
Molecular consequence: 3 prime UTR variant.
Genome position (GRCh38, 1-based): chr17:74,917,520, T>G on the plus strand (A>C on the coding strand, the complement: USH1G is on the minus strand). VCF-style: chr17-74917520-T-G. GRCh37 (hg19) VCF-style: chr17-72913614-T-G.
Other names: c.*553A>C (NM_001282489.3).
Identifiers: ClinVar variation 325045 (VCV000325045.6), dbSNP rs111899313, ClinGen allele CA10650079.

ClinVar aggregate classification (germline): Likely benign. Review status: criteria provided, multiple submitters, no conflicts (2 of 4 stars). 2 submissions from 2 submitters: Likely benign (2). Last evaluated 2017-04-27.

Conditions:
Usher syndrome type 1G. Also called: USHER SYNDROME, TYPE IG, MILD. Identifiers: Orphanet 231169, Orphanet 886, MedGen C1847089, MONDO:0011748, OMIM 606943.

Allele frequency attached by ClinVar (database versions not stated): gnomAD exomes 0.00435; gnomAD 0.02634; 1000 Genomes Project 0.02756; 1000 Genomes Project 30x 0.02983; TOPMed 0.03100.

Submissions (2):

Illumina Laboratory Services, Illumina
Classification: Likely benign for Usher syndrome type 1G. Last evaluated: 2017-04-27. Review status: criteria provided, single submitter. Criteria: ICSL Variant Classification Criteria 13 December 2019. Collection method: clinical testing. Allele origin: germline.
Comment: This variant was observed as part of a predisposition screen in an ostensibly healthy population. A literature search was performed for the gene, cDNA change, and amino acid change (where applicable). No publications were found based on this search. Allele frequency data from public databases allowed determination this variant is unlikely to cause disease. Therefore, this variant is classified as likely benign.

Breakthrough Genomics
Classification: Likely benign. Review status: criteria provided, single submitter. Criteria: ACMG Guidelines, 2015. Collection method: not provided. Allele origin: germline. Inheritance: Autosomal recessive inheritance. Affected: yes.